The following is an entry in ClinVar:

NM_001278116.2(L1CAM):c.1944del (p.Lys647_Tyr648insTer)

Gene: L1CAM (L1 cell adhesion molecule; minus strand). Cytogenetic location: Xq28.
Variant type: Deletion.
Coding change: c.1944del on transcript NM_001278116.2 (MANE Select); coding-DNA position 1944, one base deleted (T; older notation c.1944delT).
Protein change: p.Lys647_Tyr648insTer.
Molecular consequence: nonsense.
Genome position (GRCh38, 1-based): chrX:153,867,549, A deleted on the plus strand (T on the coding strand, the reverse complement: L1CAM is on the minus strand). VCF-style (leftmost placement, unchanged base first): chrX-153867548-CA-C. GRCh37 (hg19) VCF-style: chrX-153133003-CA-C.
Other names: c.1944del, p.Lys647_Tyr648insTer (NM_000425.5, NM_024003.3); c.1929del, p.Lys642_Tyr643insTer (NM_001143963.2).
Identifiers: ClinVar variation 3646858 (VCV003646858.2).
Genomic context (GRCh38, chrX:153,867,548, plus strand): 5'-GAACCTTGCCCAGACTGTACCATTTTTCAGGCGCCATTTCCTTGTCCTCAAATTCAATGT[CA>C]TATTCTGCCAAGAAATGAACCGACAATGGAGTGATCAGCATGTGGCTTTGGGGGAAGGGC-3'

ClinVar aggregate classification (germline): Pathogenic (1 of 4 stars; one submission).

Conditions:
Spastic paraplegia. Identifiers: MedGen C0037772, HP:0001258.

Submission:

Labcorp Genetics (formerly Invitae), Labcorp
Classification: Pathogenic for Spastic paraplegia. Last evaluated: 2024-03-19. Review status: criteria provided, single submitter. Criteria: Invitae Variant Classification Sherloc (09022015). Collection method: clinical testing. Allele origin: germline.
Comment: This sequence change creates a premature translational stop signal (p.Tyr648*) in the L1CAM gene. It is expected to result in an absent or disrupted protein product. Loss-of-function variants in L1CAM are known to be pathogenic (PMID: 19846429). This variant is not present in population databases (gnomAD no frequency). This variant has not been reported in the literature in individuals affected with L1CAM-related conditions. Algorithms developed to predict the effect of sequence changes on RNA splicing suggest that this variant may create or strengthen a splice site. For these reasons, this variant has been classified as Pathogenic.

Literature cited by the submitters: PubMed 19846429.